The following is an entry in ClinVar:

ClinVar aggregate classification (germline): Uncertain significance (1 of 4 stars; one submission).

Submission:

Labcorp Genetics (formerly Invitae), Labcorp
Classification: Uncertain significance. Last evaluated: 2023-10-10. Review status: criteria provided, single submitter. Criteria: Invitae Variant Classification Sherloc (09022015). Collection method: clinical testing. Allele origin: germline.
Comment: This sequence change replaces alanine, which is neutral and non-polar, with isoleucine, which is neutral and non-polar, at codon 403 of the DISP1 protein (p.Ala403Ile). This variant is present in population databases (no rsID available, gnomAD 0.0008%). This variant has not been reported in the literature in individuals affected with DISP1-related conditions. An algorithm developed to predict the effect of missense changes on protein structure and function (PolyPhen-2) suggests that this variant is likely to be tolerated. In summary, the available evidence is currently insufficient to determine the role of this variant in disease. Therefore, it has been classified as a Variant of Uncertain Significance.

NM_001377229.1(DISP1):c.1207_1208delinsAT (p.Ala403Ile)

Gene: DISP1 (dispatched RND transporter family member 1; plus strand). Cytogenetic location: 1q41.
Variant type: Indel.
Coding change: c.1207_1208delinsAT on transcript NM_001377229.1 (MANE Select); coding-DNA positions 1207 to 1208, GC replaced by AT.
Protein change: p.Ala403Ile; replaces alanine 403 with isoleucine.
Molecular consequence: missense variant.
Genome position (GRCh38, 1-based): chr1:223,002,604-223,002,605, GC replaced by AT. VCF-style: chr1-223002604-GC-AT. GRCh37 (hg19) VCF-style: chr1-223175946-GC-AT.
Other names: c.478_479delinsAT, p.Ala160Ile (NM_001350630.2); c.1207_1208delinsAT, p.Ala403Ile (NM_001369594.1, NM_001377228.1, NM_032890.5); short protein forms A403I, A160I.
Identifiers: ClinVar variation 2869355 (VCV002869355.3), dbSNP rs2528289548, ClinGen allele CA2739275668.